The following is an entry in ClinVar:

ClinVar aggregate classification (germline): Uncertain significance (1 of 4 stars; one submission).

Submission:

Labcorp Genetics (formerly Invitae), Labcorp
Classification: Uncertain significance. Last evaluated: 2024-09-08. Review status: criteria provided, single submitter. Criteria: Invitae Variant Classification Sherloc (09022015). Collection method: clinical testing. Allele origin: germline.
Comment: This sequence change creates a premature translational stop signal (p.Thr667Argfs*8) in the SAMD9L gene. While this is not anticipated to result in nonsense mediated decay, it is expected to disrupt the last 918 amino acid(s) of the SAMD9L protein. This variant is not present in population databases (gnomAD no frequency). This variant has not been reported in the literature in individuals affected with SAMD9L-related conditions. Experimental studies and prediction algorithms are not available or were not evaluated, and the functional significance of this variant is currently unknown. In summary, the available evidence is currently insufficient to determine the role of this variant in disease. Therefore, it has been classified as a Variant of Uncertain Significance.

NM_152703.5(SAMD9L):c.2000_2001del (p.Thr667fs)

Gene: SAMD9L (sterile alpha motif domain containing 9 like; minus strand). Cytogenetic location: 7q21.2.
Variant type: Deletion.
Coding change: c.2000_2001del on transcript NM_152703.5 (MANE Select); coding-DNA positions 2000 to 2001, 2 bases deleted (CA; older notation c.2000_2001delCA).
Protein change: p.Thr667fs; shifts the reading frame from threonine 667.
Molecular consequence: frameshift variant.
Genome position (GRCh38, 1-based): chr7:93,133,971-93,133,972, TG deleted on the plus strand (CA on the coding strand, the reverse complement: SAMD9L is on the minus strand); deleting any 2 consecutive bases within chr7:93,133,971-93,133,973 gives the same sequence; the c. name uses the placement nearest the transcript's 3' end. VCF-style (leftmost placement, unchanged base first): chr7-93133970-CTG-C. GRCh37 (hg19) VCF-style: chr7-92763283-CTG-C.
Other names: c.2000_2001del, p.Thr667fs (NM_001350084.2, NM_001350085.2, NM_001303496.3 and 5 more transcripts); short protein forms T667fs.
Identifiers: ClinVar variation 3666899 (VCV003666899.2).